The following is an entry in ClinVar:

NM_006766.5(KAT6A):c.2040G>T (p.Glu680Asp)

Gene: KAT6A (lysine acetyltransferase 6A; minus strand). Cytogenetic location: 8p11.21.
Variant type: single nucleotide variant.
Coding change: c.2040G>T on transcript NM_006766.5 (MANE Select); coding-DNA position 2040, G replaced by T.
Protein change: p.Glu680Asp; replaces glutamic acid 680 with aspartic acid.
Molecular consequence: missense variant.
Genome position (GRCh38, 1-based): chr8:41,943,936, C>A on the plus strand (G>T on the coding strand, the complement: KAT6A is on the minus strand). VCF-style: chr8-41943936-C-A. GRCh37 (hg19) VCF-style: chr8-41801454-C-A.
Other names: c.2040G>T, p.Glu680Asp (NM_001305878.2); short protein forms E680D.
Identifiers: ClinVar variation 2099563 (VCV002099563.4), dbSNP rs1822261286, ClinGen allele CA371073384.

ClinVar aggregate classification (germline): Uncertain significance (1 of 4 stars; one submission).

Submission:

Labcorp Genetics (formerly Invitae), Labcorp
Classification: Uncertain significance. Last evaluated: 2022-02-19. Review status: criteria provided, single submitter. Criteria: Invitae Variant Classification Sherloc (09022015). Collection method: clinical testing. Allele origin: germline.
Comment: In summary, the available evidence is currently insufficient to determine the role of this variant in disease. Therefore, it has been classified as a Variant of Uncertain Significance. Algorithms developed to predict the effect of missense changes on protein structure and function are either unavailable or do not agree on the potential impact of this missense change (SIFT: "Deleterious"; PolyPhen-2: "Benign"; Align-GVGD: "Class C35"). This variant has not been reported in the literature in individuals affected with KAT6A-related conditions. This variant is not present in population databases (gnomAD no frequency). This sequence change replaces glutamic acid, which is acidic and polar, with aspartic acid, which is acidic and polar, at codon 680 of the KAT6A protein (p.Glu680Asp).